The following is an entry in ClinVar:

ClinVar aggregate classification (germline): Uncertain significance. Review status: criteria provided, single submitter (1 of 4 stars). 2 submissions from 2 submitters: Uncertain significance (1). 1 of the submissions does not count toward it. Last evaluated 2024-03-25.

Conditions:
KIDINS220-related disorder. Also called: KIDINS220-related condition.
Spastic paraplegia, intellectual disability, nystagmus, and obesity. Also called: Spastic paraplegia, intellectual disability, nystagmus, and obesity;. Identifiers: Orphanet 521390, MedGen C4284592, MONDO:0015007, OMIM 617296.

Allele frequency attached by ClinVar (database versions not stated): gnomAD exomes 0.00002; gnomAD 0.00003; TOPMed 0.00003; ExAC 0.00005; ESP Exome Variant Server 0.00025.
gnomAD v4.1: 35 of 1,606,760 alleles (0.0022%); highest among the groups gnomAD compares: Middle Eastern, 0.066%; no homozygotes.

Submissions (2):

Genomic Medicine Center of Excellence, King Faisal Specialist Hospital and Research Centre
Classification: Uncertain significance for Spastic paraplegia, intellectual disability, nystagmus, and obesity. Last evaluated: 2024-03-25. Review status: criteria provided, single submitter. Criteria: ACMG Guidelines, 2015. Collection method: research. Allele origin: germline.

PreventionGenetics, part of Exact Sciences
Classification: Uncertain significance for KIDINS220-related condition. Last evaluated: 2024-08-28. Review status: no assertion criteria provided. Collection method: clinical testing. Allele origin: germline. Not counted in ClinVar's aggregate classification.
Comment: The KIDINS220 c.89A>T variant is predicted to result in the amino acid substitution p.Asp30Val. To our knowledge, this variant has not been reported in the literature. This variant is reported in 0.026% of alleles in individuals of African descent in gnomAD. At this time, the clinical significance of this variant is uncertain due to the absence of conclusive functional and genetic evidence.

NM_020738.4(KIDINS220):c.89A>T (p.Asp30Val)

Gene: KIDINS220 (kinase D interacting substrate 220; minus strand). Cytogenetic location: 2p25.1.
Variant type: single nucleotide variant.
Coding change: c.89A>T on transcript NM_020738.4 (MANE Select); coding-DNA position 89, A replaced by T.
Protein change: p.Asp30Val; replaces aspartic acid 30 with valine.
Molecular consequence: missense variant. On other transcripts: 5 prime UTR variant (1), non-coding transcript variant (2).
Genome position (GRCh38, 1-based): chr2:8,827,005, T>A on the plus strand (A>T on the coding strand, the complement: KIDINS220 is on the minus strand). VCF-style: chr2-8827005-T-A. GRCh37 (hg19) VCF-style: chr2-8967135-T-A.
Other names: c.89A>T, p.Asp30Val (NM_001348729.2, NM_001348731.2, NM_001348732.2 and 9 more transcripts); c.-209A>T (NM_001348736.2); c.89A>T (NM_020738.2); short protein forms D30V.
Identifiers: ClinVar variation 3064467 (VCV003064467.3), dbSNP rs111627230, ClinGen allele CA1520546.